The following is an entry in ClinVar:

ClinVar aggregate classification (germline): Uncertain significance (1 of 4 stars; one submission).

Submission:

Labcorp Genetics (formerly Invitae), Labcorp
Classification: Uncertain significance. Last evaluated: 2024-05-28. Review status: criteria provided, single submitter. Criteria: Invitae Variant Classification Sherloc (09022015). Collection method: clinical testing. Allele origin: germline.
Comment: This sequence change replaces glycine, which is neutral and non-polar, with aspartic acid, which is acidic and polar, at codon 142 of the TUBA8 protein (p.Gly142Asp). This variant is not present in population databases (gnomAD no frequency). This variant has not been reported in the literature in individuals affected with TUBA8-related conditions. Advanced modeling of protein sequence and biophysical properties (such as structural, functional, and spatial information, amino acid conservation, physicochemical variation, residue mobility, and thermodynamic stability) performed at Invitae indicates that this missense variant is expected to disrupt TUBA8 protein function with a positive predictive value of 80%. In summary, the available evidence is currently insufficient to determine the role of this variant in disease. Therefore, it has been classified as a Variant of Uncertain Significance.

NM_018943.3(TUBA8):c.425G>A (p.Gly142Asp)

Gene: TUBA8 (tubulin alpha 8; plus strand). Cytogenetic location: 22q11.21.
Variant type: single nucleotide variant.
Coding change: c.425G>A on transcript NM_018943.3 (MANE Select); coding-DNA position 425, G replaced by A.
Protein change: p.Gly142Asp; replaces glycine 142 with aspartic acid.
Molecular consequence: missense variant.
Genome position (GRCh38, 1-based): chr22:18,126,403, G>A. VCF-style: chr22-18126403-G-A. GRCh37 (hg19) VCF-style: chr22-18609170-G-A.
Other names: c.227G>A, p.Gly76Asp (NM_001193414.2); short protein forms G142D, G76D.
Identifiers: ClinVar variation 3654861 (VCV003654861.2).